The following is an entry in ClinVar:

NM_000051.4(ATM):c.2867G>A (p.Gly956Glu)

Gene: ATM (ATM serine/threonine kinase; plus strand). Cytogenetic location: 11q22.3.
Variant type: single nucleotide variant.
Coding change: c.2867G>A on transcript NM_000051.4 (MANE Select); coding-DNA position 2867, G replaced by A.
Protein change: p.Gly956Glu; replaces glycine 956 with glutamic acid.
Molecular consequence: missense variant.
Genome position (GRCh38, 1-based): chr11:108,271,092, G>A. VCF-style: chr11-108271092-G-A. GRCh37 (hg19) VCF-style: chr11-108141819-G-A.
Other names: c.2867G>A, p.Gly956Glu (NM_001351834.2); short protein forms G956E.
Identifiers: ClinVar variation 421194 (VCV000421194.21), dbSNP rs752099312, ClinGen allele CA6265134.

ClinVar aggregate classification (germline): Uncertain significance. Review status: criteria provided, multiple submitters, no conflicts (2 of 4 stars). 6 submissions from 6 submitters: Uncertain significance (5). 1 of the submissions does not count toward it. Last evaluated 2025-12-29.

Conditions:
Hereditary cancer-predisposing syndrome. Also called: Hereditary neoplastic syndrome; Hereditary Cancer Syndrome; Neoplastic Syndromes, Hereditary; Tumor predisposition. Identifiers: Orphanet 140162, MedGen C0027672, MeSH D009386, MONDO:0015356.
Ataxia-telangiectasia syndrome (AT). Also called: Ataxia-telangiectasia, complementation group D; Cerebello-oculocutaneous telangiectasia; Immunodeficiency with ataxia telangiectasia; ATAXIA-TELANGIECTASIA, COMPLEMENTATION GROUP A; ATAXIA-TELANGIECTASIA, FRESNO VARIANT; LOUIS-BAR SYNDROME. Identifiers: Orphanet 100, MedGen C0004135, MONDO:0008840, OMIM 208900.

Allele frequency attached by ClinVar (database versions not stated): gnomAD exomes below 0.00001 and 0.00001; TOPMed below 0.00001; ExAC 0.00001.
gnomAD v4.1: 3 of 1,614,062 alleles (0.00019%); highest among the groups gnomAD compares: Non-Finnish European, 0.00025%; no homozygotes.

Submissions (6):

Center for Genomic Medicine, Rigshospitalet, Copenhagen University Hospital
Classification: Uncertain significance. Last evaluated: 2025-12-29. Review status: criteria provided, single submitter. Criteria: ACMG Guidelines, 2015. Collection method: clinical testing. Allele origin: germline.
Comment: Classification criteria: BP4

Ambry Genetics
Classification: Uncertain significance for Hereditary cancer-predisposing syndrome. Last evaluated: 2023-12-15. Review status: criteria provided, single submitter. Criteria: Ambry Variant Classification Scheme 2023. Collection method: clinical testing. Allele origin: germline.
Comment: The p.G956E variant (also known as c.2867G>A), located in coding exon 18 of the ATM gene, results from a G to A substitution at nucleotide position 2867. The glycine at codon 956 is replaced by glutamic acid, an amino acid with similar properties. This amino acid position is not well conserved in available vertebrate species. In addition, this alteration is predicted to be tolerated by in silico analysis. Since supporting evidence is limited at this time, the clinical significance of this alteration remains unclear.

Labcorp Genetics (formerly Invitae), Labcorp
Classification: Uncertain significance for Ataxia-telangiectasia syndrome. Last evaluated: 2023-10-09. Review status: criteria provided, single submitter. Criteria: Invitae Variant Classification Sherloc (09022015). Collection method: clinical testing. Allele origin: germline.
Comment: This sequence change replaces glycine, which is neutral and non-polar, with glutamic acid, which is acidic and polar, at codon 956 of the ATM protein (p.Gly956Glu). This variant is present in population databases (rs752099312, gnomAD 0.002%). This variant has not been reported in the literature in individuals affected with ATM-related conditions. ClinVar contains an entry for this variant (Variation ID: 421194). An algorithm developed to predict the effect of missense changes on protein structure and function (PolyPhen-2) suggests that this variant is likely to be tolerated. In summary, the available evidence is currently insufficient to determine the role of this variant in disease. Therefore, it has been classified as a Variant of Uncertain Significance.

Color Diagnostics, LLC DBA Color Health
Classification: Uncertain significance for Hereditary cancer-predisposing syndrome. Last evaluated: 2019-09-19. Review status: criteria provided, single submitter. Criteria: ACMG Guidelines, 2015. Collection method: clinical testing. Allele origin: germline.
Comment: This missense variant replaces glycine with glutamic acid at codon 956 of the ATM protein. Computational prediction tool suggests that this variant may not impact protein structure and function (internally defined REVEL score threshold ≤0.5, PMID: 27666373). Splice site prediction tools suggest that this variant may not impact RNA splicing. To our knowledge, functional studies have not been performed for this variant. This variant has not been reported in individuals affected with hereditary cancer in the literature. This variant has been identified in 2/251410 chromosomes in the general population by the Genome Aggregation Database (gnomAD). The available evidence is insufficient to determine the role of this variant in disease conclusively. Therefore, this variant is classified as a Variant of Uncertain Significance.

GeneDx
Classification: Uncertain significance. Last evaluated: 2017-02-23. Review status: criteria provided, single submitter. Criteria: GeneDx Variant Classification (06012015). Collection method: clinical testing. Allele origin: germline. Affected: yes.
Comment: This variant is denoted ATM c.2867G>A at the cDNA level, p.Gly956Glu (G956E) at the protein level, and results in the change of a Glycine to a Glutamic Acid (GGA>GAA). This variant has not, to our knowledge, been published in the literature as pathogenic or benign. ATM Gly956Glu was not observed in approximately 6,500 individuals of European and African American ancestry in the NHLBI Exome Sequencing Project, suggesting it is not a common benign variant in these populations. Since Glycine and Glutamic Acid differ in polarity, charge, size or other properties, this is considered a non-conservative amino acid substitution. ATM Gly956Glu occurs at a position that is not conserved and is located in the region of interaction with beta-adaptin (Tavtigian 2009). In silico analyses are inconsistent regarding the effect this variant may have on protein structure and function. Based on currently available evidence, it is unclear whether ATM Gly956Glu is a pathogenic or benign variant. We consider it to be a variant of uncertain significance.

Department of Pathology and Laboratory Medicine, Sinai Health System
Classification: Uncertain significance. Review status: no assertion criteria provided. Collection method: clinical testing. Allele origin: unknown. Affected: yes. Study: The Canadian Open Genetics Repository (COGR). Not counted in ClinVar's aggregate classification.
Comment: The ATM p.Gly956Glu variant was identified in the literature in one study where it was found as a somatic variant in B-cell lymphocytic leukemia (Stankovic 2004). The variant was also identified in dbSNP (ID: rs752099312) as â€šÃ„ÃºWith Uncertain significance alleleâ€šÃ„Ã¹, and ClinVar (as uncertain significance by GeneDx and Invitae). The variant was not identified in the LOVD 3.0 database. The variant was identified in control databases in 2 of 246194 chromosomes at a frequency of 0.000008 (Genome Aggregation Database Feb 27, 2017). The variant was observed in the European (Non-Finnish) population in 2 of 111668 chromosomes (freq: 0.000018), while the variant was not observed in the African, Other, Latino, Ashkenazi Jewish, East Asian, Finnish, and South Asian populations. The p.Gly956 residue is conserved in mammals but not in more distantly related organisms however four out of five computational analyses (PolyPhen-2, SIFT, AlignGVGD, BLOSUM, MutationTaster) do not suggest a high likelihood of impact to the protein; this information is not predictive enough to rule out pathogenicity. The variant occurs outside of the splicing consensus sequence and in silico or computational prediction software programs (SpliceSiteFinder, MaxEntScan, NNSPLICE, GeneSplicer) do not predict a difference in splicing. In summary, based on the above information the clinical significance of this variant cannot be determined with certainty at this time. This variant is classified as a variant of uncertain significance.